The following is an entry in ClinVar:

NM_017617.5(NOTCH1):c.5224G>A (p.Ala1742Thr)

Gene: NOTCH1 (notch receptor 1; minus strand). Cytogenetic location: 9q34.3.
Variant type: single nucleotide variant.
Coding change: c.5224G>A on transcript NM_017617.5 (MANE Select); coding-DNA position 5224, G replaced by A.
Protein change: p.Ala1742Thr; replaces alanine 1742 with threonine.
Molecular consequence: missense variant.
Genome position (GRCh38, 1-based): chr9:136,502,432, C>T on the plus strand (G>A on the coding strand, the complement: NOTCH1 is on the minus strand). VCF-style: chr9-136502432-C-T. GRCh37 (hg19) VCF-style: chr9-139396884-C-T.
Other names: short protein forms A1742T.
Identifiers: ClinVar variation 3201353 (VCV003201353.3), dbSNP rs760669267, ClinGen allele CA375640957.

ClinVar aggregate classification (germline): Uncertain significance. Review status: criteria provided, multiple submitters, no conflicts (2 of 4 stars). 2 submissions from 2 submitters: Uncertain significance (2). Last evaluated 2025-11-10.

Conditions:
Familial thoracic aortic aneurysm and aortic dissection (TAAD). Also called: Thoracic aortic aneurysms and dissections. Identifiers: Orphanet 91387, MedGen C4707243, MONDO:0019625.

Submissions (2):

Ambry Genetics
Classification: Uncertain significance for Familial thoracic aortic aneurysm and aortic dissection. Last evaluated: 2025-11-10. Review status: criteria provided, single submitter. Criteria: Ambry Variant Classification Scheme 2023. Collection method: clinical testing. Allele origin: germline.
Comment: The p.A1742T variant (also known as c.5224G>A), located in coding exon 28 of the NOTCH1 gene, results from a G to A substitution at nucleotide position 5224. The alanine at codon 1742 is replaced by threonine, an amino acid with similar properties. This amino acid position is conserved. In addition, the in silico prediction for this alteration is inconclusive. Since supporting evidence is limited at this time, the clinical significance of this alteration remains unclear.

GeneDx
Classification: Uncertain significance. Last evaluated: 2025-08-15. Review status: criteria provided, single submitter. Criteria: GeneDx Variant Classification Process June 2021. Collection method: clinical testing. Allele origin: germline. Affected: yes.
Comment: Not observed at significant frequency in large population cohorts (gnomAD); In silico analysis suggests that this missense variant does not alter protein structure/function; Has not been previously published as pathogenic or benign to our knowledge